The following is an entry in ClinVar:

ClinVar aggregate classification (germline): Likely pathogenic (1 of 4 stars; one submission).

Conditions:
Autosomal recessive Alport syndrome (ATS2). Also called: COL4A4 Alport Syndrome and Thin Basement Membrane Nephropathy; ALPORT SYNDROME 2, AUTOSOMAL RECESSIVE; COL4A3-Related Nephropathy; Alport syndrome type 2. Identifiers: Orphanet 63, Orphanet 88919, MedGen C4746745, MONDO:0008762, OMIM 203780.

Submission:

Women's Health and Genetics/Laboratory Corporation of America, LabCorp
Classification: Likely pathogenic for Autosomal recessive Alport syndrome. Last evaluated: 2024-12-27. Review status: criteria provided, single submitter. Criteria: LabCorp Variant Classification Summary - May 2015. Collection method: clinical testing. Allele origin: germline.
Comment: Variant summary: COL4A4 c.1034delA (p.Asp345ValfsX15) results in a premature termination codon, predicted to cause a truncation of the encoded protein or absence of the protein due to nonsense mediated decay, which are commonly known mechanisms for disease. The variant was absent in 249328 control chromosomes. To our knowledge, no occurrence of c.1034delA in individuals affected with Alport Syndrome, Autosomal Recessive and no experimental evidence demonstrating its impact on protein function have been reported. No submitters have cited clinical-significance assessments for this variant to ClinVar. Based on the evidence outlined above, the variant was classified as likely pathogenic.

NM_000092.5(COL4A4):c.1034del (p.Asp345fs)

Gene: COL4A4 (collagen type IV alpha 4 chain; minus strand). Cytogenetic location: 2q36.3.
Variant type: Deletion.
Coding change: c.1034del on transcript NM_000092.5 (MANE Select); coding-DNA position 1034, one base deleted (A; older notation c.1034delA).
Protein change: p.Asp345fs; shifts the reading frame from aspartic acid 345.
Molecular consequence: frameshift variant.
Genome position (GRCh38, 1-based): chr2:227,099,685, T deleted on the plus strand (A on the coding strand, the reverse complement: COL4A4 is on the minus strand). VCF-style (leftmost placement, unchanged base first): chr2-227099684-AT-A. GRCh37 (hg19) VCF-style: chr2-227964400-AT-A.
Other names: c.1034delA (NM_000092.5); short protein forms D345fs.
Identifiers: ClinVar variation 3768222 (VCV003768222.1).